The following is an entry in ClinVar:

ClinVar aggregate classification (germline): Uncertain significance. Review status: criteria provided, multiple submitters, no conflicts (2 of 4 stars). 2 submissions from 2 submitters: Uncertain significance (2). Last evaluated 2022-07-12.

Conditions:
Emery-Dreifuss muscular dystrophy 4, autosomal dominant (EDMD4). Also called: EMERY-DREIFUSS MUSCULAR DYSTROPHY 4 WITH VARIABLE FEATURES. Identifiers: Orphanet 261, MedGen C2751807, MONDO:0013071, OMIM 612998.
Autosomal recessive ataxia, Beauce type. Also called: Spinocerebellar ataxia, autosomal recessive 8; ATAXIA, RECESSIVE, OF BEAUCE; SYNE1 Deficiency; SYNE1-Related Autosomal Recessive Cerebellar Ataxia. Identifiers: Orphanet 88644, MedGen C1853116, MONDO:0012549, OMIM 610743.

Allele frequency attached by ClinVar (database versions not stated): gnomAD exomes 0.00001; TOPMed 0.00001; ExAC 0.00002; ESP Exome Variant Server 0.00008.
gnomAD v4.1: 5 of 1,614,058 alleles (0.00031%); highest among the groups gnomAD compares: Admixed American, 0.0067%; no homozygotes.

Submissions (2):

Labcorp Genetics (formerly Invitae), Labcorp
Classification: Uncertain significance for Emery-Dreifuss muscular dystrophy 4, autosomal dominant; Autosomal recessive ataxia, Beauce type. Last evaluated: 2022-07-12. Review status: criteria provided, single submitter. Criteria: Invitae Variant Classification Sherloc (09022015). Collection method: clinical testing. Allele origin: germline.
Comment: This sequence change replaces tyrosine, which is neutral and polar, with cysteine, which is neutral and slightly polar, at codon 4593 of the SYNE1 protein (p.Tyr4593Cys). This variant is present in population databases (rs367979558, gnomAD 0.006%). This variant has not been reported in the literature in individuals affected with SYNE1-related conditions. ClinVar contains an entry for this variant (Variation ID: 805552). Algorithms developed to predict the effect of missense changes on protein structure and function are either unavailable or do not agree on the potential impact of this missense change (SIFT: "Deleterious"; PolyPhen-2: "Benign"; Align-GVGD: "Class C65"). In summary, the available evidence is currently insufficient to determine the role of this variant in disease. Therefore, it has been classified as a Variant of Uncertain Significance.

Athena Diagnostics
Classification: Uncertain significance. Last evaluated: 2020-04-21. Review status: criteria provided, single submitter. Criteria: Athena Diagnostics Criteria. Collection method: clinical testing. Allele origin: unknown.

NM_182961.4(SYNE1):c.13991A>G (p.Tyr4664Cys)

Gene: SYNE1 (spectrin repeat containing nuclear envelope protein 1; minus strand). Cytogenetic location: 6q25.2.
Variant type: single nucleotide variant.
Coding change: c.13991A>G on transcript NM_182961.4 (MANE Select); coding-DNA position 13991, A replaced by G.
Protein change: p.Tyr4664Cys; replaces tyrosine 4664 with cysteine.
Molecular consequence: missense variant.
Genome position (GRCh38, 1-based): chr6:152,330,694, T>C on the plus strand (A>G on the coding strand, the complement: SYNE1 is on the minus strand). VCF-style: chr6-152330694-T-C. GRCh37 (hg19) VCF-style: chr6-152651829-T-C.
Other names: c.13778A>G, p.Tyr4593Cys (NM_033071.5); short protein forms Y4664C, Y4593C.
Identifiers: ClinVar variation 805552 (VCV000805552.9), dbSNP rs367979558, ClinGen allele CA4056092.